The following is an entry in ClinVar:

ClinVar aggregate classification (germline): Uncertain significance (1 of 4 stars; one submission).

Submission:

Labcorp Genetics (formerly Invitae), Labcorp
Classification: Uncertain significance. Last evaluated: 2024-02-15. Review status: criteria provided, single submitter. Criteria: Invitae Variant Classification Sherloc (09022015). Collection method: clinical testing. Allele origin: germline.
Comment: This sequence change replaces glycine, which is neutral and non-polar, with valine, which is neutral and non-polar, at codon 285 of the SMARCA2 protein (p.Gly285Val). The frequency data for this variant in the population databases is considered unreliable, as metrics indicate insufficient coverage at this position in the gnomAD database. This variant has not been reported in the literature in individuals affected with SMARCA2-related conditions. Advanced modeling of protein sequence and biophysical properties (such as structural, functional, and spatial information, amino acid conservation, physicochemical variation, residue mobility, and thermodynamic stability) performed at Invitae indicates that this missense variant is not expected to disrupt SMARCA2 protein function with a negative predictive value of 80%. In summary, the available evidence is currently insufficient to determine the role of this variant in disease. Therefore, it has been classified as a Variant of Uncertain Significance.

NM_003070.5(SMARCA2):c.854G>T (p.Gly285Val)

Gene: SMARCA2 (SWI/SNF related BAF chromatin remodeling complex subunit ATPase 2; plus strand). Cytogenetic location: 9p24.3.
Variant type: single nucleotide variant.
Coding change: c.854G>T on transcript NM_003070.5 (MANE Select); coding-DNA position 854, G replaced by T.
Protein change: p.Gly285Val; replaces glycine 285 with valine.
Molecular consequence: missense variant.
Genome position (GRCh38, 1-based): chr9:2,047,292, G>T. VCF-style: chr9-2047292-G-T. GRCh37 (hg19) VCF-style: chr9-2047292-G-T.
Other names: c.854G>T, p.Gly285Val (NM_001289396.2, NM_001289397.2, NM_139045.4); short protein forms G285V.
Identifiers: ClinVar variation 3641006 (VCV003641006.2).